The following is an entry in ClinVar:

ClinVar aggregate classification (germline): Uncertain significance (1 of 4 stars; one submission).

Conditions:
Imerslund-Grasbeck syndrome. Also called: Imerslund-Gräsbeck syndrome; ENTEROCYTE COBALAMIN MALABSORPTION; ENTEROCYTE INTRINSIC FACTOR RECEPTOR, DEFECT OF; PERNICIOUS ANEMIA, JUVENILE, DUE TO SELECTIVE INTESTINAL MALABSORPTION OF VITAMIN B12, WITH PROTEINURIA; Megaloblastic anemia due to inborn errors of metabolism. Identifiers: Orphanet 35858, MedGen C4551825, MONDO:0009853.

gnomAD v4.1: 1 of 1,612,812 alleles (0.000062%); highest among the groups gnomAD compares: East Asian, 0.0022%; no homozygotes.

Submission:

Labcorp Genetics (formerly Invitae), Labcorp
Classification: Uncertain significance for Imerslund-Grasbeck syndrome. Last evaluated: 2021-09-17. Review status: criteria provided, single submitter. Criteria: Invitae Variant Classification Sherloc (09022015). Collection method: clinical testing. Allele origin: germline.
Comment: In summary, the available evidence is currently insufficient to determine the role of this variant in disease. Therefore, it has been classified as a Variant of Uncertain Significance. Algorithms developed to predict the effect of missense changes on protein structure and function output the following: SIFT: "Tolerated"; PolyPhen-2: "Benign"; Align-GVGD: "Class C0". The glycine amino acid residue is found in multiple mammalian species, which suggests that this missense change does not adversely affect protein function. This variant has not been reported in the literature in individuals affected with CUBN-related conditions. This variant is not present in population databases (ExAC no frequency). This sequence change replaces serine with glycine at codon 2528 of the CUBN protein (p.Ser2528Gly). The serine residue is weakly conserved and there is a small physicochemical difference between serine and glycine.

NM_001081.4(CUBN):c.7582A>G (p.Ser2528Gly)

Gene: CUBN (cubilin; minus strand). Cytogenetic location: 10p13.
Variant type: single nucleotide variant.
Coding change: c.7582A>G on transcript NM_001081.4 (MANE Select); coding-DNA position 7582, A replaced by G.
Protein change: p.Ser2528Gly; replaces serine 2528 with glycine.
Molecular consequence: missense variant.
Genome position (GRCh38, 1-based): chr10:16,907,631, T>C on the plus strand (A>G on the coding strand, the complement: CUBN is on the minus strand). VCF-style: chr10-16907631-T-C. GRCh37 (hg19) VCF-style: chr10-16949630-T-C.
Other names: short protein forms S2528G.
Identifiers: ClinVar variation 1491238 (VCV001491238.6), dbSNP rs1047710609, ClinGen allele CA376144518.
Genomic context (GRCh38, chr10:16,907,631, plus strand): 5'-AAAAAATGACTTTCATTGTGTTTCCTGAAGATTTAATCTCATTGCTTACATTCACACTAC[T>C]ACACAGTTTCTCTAGCTGGGGTGAGTTACTTCTAATGCCATTGAATACCTGTTGGAAAAA-3'
Protein context (NP_001072.2, residues 2518-2538): SNSPQLEKLC[Ser2528Gly]SVNVSNEIKS